The following is an entry in ClinVar:

ClinVar aggregate classification (germline): Pathogenic. Review status: criteria provided, multiple submitters, no conflicts (2 of 4 stars). 6 submissions from 6 submitters: Pathogenic (5). 1 of the submissions does not count toward it. Last evaluated 2025-08-26.

Conditions:
RPS6KA3-related disorder. Also called: RPS6KA3-related condition.
Coffin-Lowry syndrome (CLS). Also called: Mental retardation with osteocartilaginous abnormalities; COFFIN-LOWRY SYNDROME, MILD. Identifiers: Orphanet 192, MedGen C0265252, MONDO:0010561, OMIM 303600.
Intellectual developmental disorder, X-linked 19. Also called: Intellectual disability, X-linked 19. Identifiers: Orphanet 777, MedGen C0796225, MONDO:0010447, OMIM 300844.

Submissions (7):

Labcorp Genetics (formerly Invitae), Labcorp
Classification: Pathogenic for Coffin-Lowry syndrome; Intellectual developmental disorder, X-linked 19. Last evaluated: 2025-08-26. Review status: criteria provided, single submitter. Criteria: Invitae Variant Classification Sherloc (09022015). Collection method: clinical testing. Allele origin: germline.
Comment: This sequence change creates a premature translational stop signal (p.Arg305*) in the RPS6KA3 gene. It is expected to result in an absent or disrupted protein product. Loss-of-function variants in RPS6KA3 are known to be pathogenic (PMID: 9837815, 19888300). This variant is not present in population databases (gnomAD no frequency). This premature translational stop signal has been observed in individual(s) with Coffin–Lowry syndrome (PMID: 11180593, 15668050). ClinVar contains an entry for this variant (Variation ID: 225519). Algorithms developed to predict the effect of sequence changes on RNA splicing suggest that this variant may disrupt the consensus splice site. For these reasons, this variant has been classified as Pathogenic.

3billion
Classification: Pathogenic for Coffin-Lowry syndrome. Last evaluated: 2024-08-29. Review status: criteria provided, single submitter. Criteria: ACMG Guidelines, 2015. Collection method: clinical testing. Allele origin: germline. Affected: yes.
Comment: The variant is not observed in the gnomAD v4.0.0 dataset. Predicted Consequence/Location: Stop-gained (nonsense): predicted to result in a loss or disruption of normal protein function through nonsense-mediated decay (NMD) or protein truncation. Multiple pathogenic variants are reported downstream of the variant. The variant has been reported at least twice as pathogenic with clinical assertions and evidence for the classification (ClinVar ID: VCV000225519 /PMID: 9837815 /3billion dataset). Therefore, this variant is classified as Pathogenic according to the recommendation of ACMG/AMP guideline.

GeneDx
Classification: Pathogenic. Last evaluated: 2024-01-19. Review status: criteria provided, single submitter. Criteria: GeneDx Variant Classification Process June 2021. Collection method: clinical testing. Allele origin: germline. Affected: yes.
Comment: Nonsense variant predicted to result in protein truncation or nonsense mediated decay in a gene for which loss of function is a known mechanism of disease; Not observed at significant frequency in large population cohorts (gnomAD); This variant is associated with the following publications: (PMID: 25525159, 15668050, 9837815)

Blueprint Genetics
Classification: Pathogenic for RPS6KA3-related disorders. Last evaluated: 2019-02-20. Review status: criteria provided, single submitter. Criteria: ACMG Guidelines, 2015. Collection method: clinical testing. Allele origin: germline. Affected: yes. Observed: 1 variant allele.

Cytogénomique, Hospices Civils de Lyon
Classification: Pathogenic for Coffin-Lowry syndrome; Intellectual developmental disorder, X-linked 19. Last evaluated: 2016-12-21. Review status: criteria provided, single submitter. Criteria: ACMG Guidelines, 2015. Collection method: clinical testing. Allele origin: de novo. Inheritance: X-linked inheritance. Affected: yes.

Laboratory Genomica, Gynecology and Assisted Reproduction Hospital Malinov DM
Classification: Pathogenic for Coffin-Lowry syndrome. Last evaluated: 2015-11-17. Review status: no assertion criteria provided. Collection method: clinical testing. Allele origin: de novo. Inheritance: X-linked dominant inheritance. Affected: yes. Observed: 1 variant allele, 1 hemizygote. Not counted in ClinVar's aggregate classification.
Comment: Premature stop codon formation

Dr. Peter K. Rogan Lab, Western University
No classification provided (evidence only). Condition: Thyroid cancer, nonmedullary, 1. Review status: no classification provided. Collection method: in vitro. Allele origin: not applicable. Functional consequence: retained intron. Not counted in ClinVar's aggregate classification.

Literature cited by the submitters: PubMed 9837815 (cited by Labcorp Genetics (formerly Invitae), Labcorp and 3billion); PubMed 19888300 (cited by Labcorp Genetics (formerly Invitae), Labcorp); PubMed 11180593 (cited by Labcorp Genetics (formerly Invitae), Labcorp); PubMed 15668050 (cited by Labcorp Genetics (formerly Invitae), Labcorp).

NM_004586.3(RPS6KA3):c.913C>T (p.Arg305Ter)

Gene: RPS6KA3 (ribosomal protein S6 kinase A3; minus strand). Cytogenetic location: Xp22.12.
Variant type: single nucleotide variant.
Coding change: c.913C>T on transcript NM_004586.3 (MANE Select); coding-DNA position 913, C replaced by T.
Protein change: p.Arg305Ter; replaces arginine 305 with a stop codon.
Molecular consequence: nonsense.
Genome position (GRCh38, 1-based): chrX:20,177,017, G>A on the plus strand (C>T on the coding strand, the complement: RPS6KA3 is on the minus strand). VCF-style: chrX-20177017-G-A. GRCh37 (hg19) VCF-style: chrX-20195135-G-A.
Other names: short protein forms R305*.
Identifiers: ClinVar variation 225519 (VCV000225519.13), dbSNP rs869320705, ClinGen allele CA358896.
Genomic context (GRCh38, chrX:20,177,017, plus strand): 5'-ACAAACATACAACATAAACAAATTAGTTAAAATTTTTACCTAATCTGTTTGCAGGATTTC[G>A]CTTGAAAAGCATTCGTAAAAGACTCTGCGCTTCAGGACTCAAAAACTGTGGCATTCCAAG-3'